The following is an entry in ClinVar:

ClinVar aggregate classification (germline): Pathogenic/Likely pathogenic. Review status: criteria provided, multiple submitters, no conflicts (2 of 4 stars). 7 submissions from 7 submitters: Pathogenic (1); Likely pathogenic (6). Last evaluated 2026-07-01.

Conditions:
Neurofibromatosis, type 1 (NF1). Also called: Peripheral type neurofibromatosis; Neurofibromatosis, type I; NEUROFIBROMATOSIS, TYPE I, SOMATIC; VON RECKLINGHAUSEN DISEASE. Identifiers: Orphanet 636, MedGen C0027831, MONDO:0018975, OMIM 162200. Disease mechanism: loss of function.

Allele frequency attached by ClinVar (database versions not stated): gnomAD exomes below 0.00001.
gnomAD v4.1: 1 of 1,614,114 alleles (0.000062%); highest among the groups gnomAD compares: Non-Finnish European, 0.000085%; no homozygotes.

Submissions (7):

CeGaT Center for Human Genetics Tuebingen
Classification: Likely pathogenic. Last evaluated: 2026-07-01. Review status: criteria provided, single submitter. Criteria: CeGaT Center For Human Genetics Tuebingen Variant Classification Criteria Version 2. Collection method: clinical testing. Allele origin: germline. Affected: yes. Observed: 1 variant allele.
Comment: NF1: PM2, PM6, PS4:Moderate, PP3

Labcorp Genetics (formerly Invitae), Labcorp
Classification: Pathogenic for Neurofibromatosis, type 1. Last evaluated: 2025-11-21. Review status: criteria provided, single submitter. Criteria: Invitae Variant Classification Sherloc (09022015). Collection method: clinical testing. Allele origin: germline.
Comment: This sequence change replaces asparagine, which is neutral and polar, with lysine, which is basic and polar, at codon 1278 of the NF1 protein (p.Asn1278Lys). This variant is not present in population databases (gnomAD no frequency). This missense change has been observed in individual(s) with neurofibromatosis type 1 (PMID: 28961165). In at least one individual the variant was observed to be de novo. It has also been observed to segregate with disease in related individuals. Invitae Evidence Modeling of clinical and family history, age, sex, and reported ancestry of multiple individuals with this NF1 variant has been performed. This variant is expected to be pathogenic with a positive predictive value of at least 99%. This is a validated machine learning model that incorporates the clinical features of 1,785,918 individuals referred to our laboratory for NF1 testing. ClinVar contains an entry for this variant (Variation ID: 431630). Invitae Evidence Modeling of protein sequence and biophysical properties (such as structural, functional, and spatial information, amino acid conservation, physicochemical variation, residue mobility, and thermodynamic stability) indicates that this missense variant is expected to disrupt NF1 protein function with a positive predictive value of 95%. Experimental studies have shown that this missense change affects NF1 function (PMID: 12787671). For these reasons, this variant has been classified as Pathogenic.

GeneDx
Classification: Likely pathogenic. Last evaluated: 2025-07-22. Review status: criteria provided, single submitter. Criteria: GeneDx Variant Classification Process June 2021. Collection method: clinical testing. Allele origin: germline. Affected: yes.
Comment: Published functional studies demonstrate slightly lower NF1 catalytic efficiency and affinity for RAS compared to wild-type but lack statistical significance (PMID: 12787671); Not observed at significant frequency in large population cohorts (gnomAD); In silico analysis supports that this missense variant has a deleterious effect on protein structure/function; This variant is associated with the following publications: (PMID: 25486365, 22807134, Martorana2022[CaseReport], 37751797, 28961165, 12787671)

Quest Diagnostics Nichols Institute San Juan Capistrano
Classification: Likely pathogenic. Last evaluated: 2024-07-26. Review status: criteria provided, single submitter. Criteria: Quest Diagnostics criteria. Collection method: clinical testing. Allele origin: unknown.
Comment: The NF1 c.3834C>G (p.Asn1278Lys) variant has been reported in the published literature in a neurofibromatosis patient in the apparent de novo state (PMID:28961165 (2017)). One experimental study showed in vitro changes in activity consistent with disruption of function, though further research is required to validate these findings (PMID: 12787671 (2003)). This variant has not been reported in large, multi-ethnic general populations (Genome Aggregation Database). Analysis of this variant using bioinformatics tools for the prediction of the effect of amino acid changes on protein structure and function yielded predictions that this variant is damaging. Based on the available information, this variant is classified as likely pathogenic.

Medical Genetics, University of Parma
Classification: Likely pathogenic for Neurofibromatosis, type 1. Last evaluated: 2022-08-17. Review status: criteria provided, single submitter. Criteria: ACMG Guidelines, 2015. Collection method: clinical testing. Allele origin: germline. Inheritance: Autosomal dominant inheritance. Affected: yes.

Genome-Nilou Lab
Classification: Likely pathogenic for Neurofibromatosis, type 1. Last evaluated: 2022-03-15. Review status: criteria provided, single submitter. Criteria: ACMG Guidelines, 2015. Collection method: clinical testing. Allele origin: germline. Affected: no.

Genome Diagnostics Laboratory, The Hospital for Sick Children
Classification: Likely pathogenic for Neurofibromatosis, type 1. Last evaluated: 2020-10-26. Review status: criteria provided, single submitter. Criteria: ACMG Guidelines, 2015. Collection method: clinical testing. Allele origin: germline. Affected: yes.

Literature cited by the submitters: PubMed 28961165 (cited by Labcorp Genetics (formerly Invitae), Labcorp and Quest Diagnostics Nichols Institute San Juan Capistrano); PubMed 12787671 (cited by Labcorp Genetics (formerly Invitae), Labcorp and Quest Diagnostics Nichols Institute San Juan Capistrano); PubMed 22807134 (cited by Quest Diagnostics Nichols Institute San Juan Capistrano); PubMed 33235359 (cited by Quest Diagnostics Nichols Institute San Juan Capistrano).

NM_001042492.3(NF1):c.3834C>G (p.Asn1278Lys)

Gene: NF1 (neurofibromin 1; plus strand). Cytogenetic location: 17q11.2.
Variant type: single nucleotide variant.
Coding change: c.3834C>G on transcript NM_001042492.3 (MANE Select); coding-DNA position 3834, C replaced by G.
Protein change: p.Asn1278Lys; replaces asparagine 1278 with lysine.
Molecular consequence: missense variant.
Genome position (GRCh38, 1-based): chr17:31,235,736, C>G. VCF-style: chr17-31235736-C-G. GRCh37 (hg19) VCF-style: chr17-29562754-C-G.
Other names: c.3834C>G, p.Asn1278Lys (NM_000267.4); short protein forms N1278K.
Identifiers: ClinVar variation 431630 (VCV000431630.19), dbSNP rs1135402850, ClinGen allele CA398992784.